The following is an entry in ClinVar:

ClinVar aggregate classification (germline): Uncertain significance (1 of 4 stars; one submission).

Conditions:
Hereditary breast ovarian cancer syndrome. Also called: Hereditary breast and ovarian cancer syndrome; Hereditary breast and ovarian cancer syndrome (HBOC); Hereditary breast and/or ovarian cancer syndrome; Breast and ovarian cancer; Hereditary breast and ovarian cancer; BRCA1- and BRCA2-Associated Hereditary Breast and Ovarian Cancer. Identifiers: Orphanet 145, MedGen C0677776, MeSH D061325, MONDO:0003582. Disease mechanism: loss of function.

Submission:

Labcorp Genetics (formerly Invitae), Labcorp
Classification: Uncertain significance for Hereditary breast ovarian cancer syndrome. Last evaluated: 2024-04-10. Review status: criteria provided, single submitter. Criteria: Invitae Variant Classification Sherloc (09022015). Collection method: clinical testing. Allele origin: germline.
Comment: This sequence change replaces aspartic acid, which is acidic and polar, with valine, which is neutral and non-polar, at codon 526 of the BRCA2 protein (p.Asp526Val). This variant is not present in population databases (gnomAD no frequency). This variant has not been reported in the literature in individuals affected with BRCA2-related conditions. Advanced modeling of protein sequence and biophysical properties (such as structural, functional, and spatial information, amino acid conservation, physicochemical variation, residue mobility, and thermodynamic stability) performed at Invitae indicates that this missense variant is not expected to disrupt BRCA2 protein function with a negative predictive value of 95%. In summary, the available evidence is currently insufficient to determine the role of this variant in disease. Therefore, it has been classified as a Variant of Uncertain Significance.

NM_000059.4(BRCA2):c.1577A>T (p.Asp526Val)

Gene: BRCA2 (BRCA2 DNA repair associated; plus strand). Cytogenetic location: 13q13.1.
Variant type: single nucleotide variant.
Coding change: c.1577A>T on transcript NM_000059.4 (MANE Select); coding-DNA position 1577, A replaced by T.
Protein change: p.Asp526Val; replaces aspartic acid 526 with valine.
Molecular consequence: missense variant. On other transcripts: non-coding transcript variant (1), intron variant (1).
Genome position (GRCh38, 1-based): chr13:32,333,055, A>T. VCF-style: chr13-32333055-A-T. GRCh37 (hg19) VCF-style: chr13-32907192-A-T.
Other names: c.1577A>T, p.Asp526Val (NM_001406719.1, NM_001406720.1, NM_001406721.1); c.424+2025A>T (NM_001406722.1); short protein forms D526V.
Identifiers: ClinVar variation 2783833 (VCV002783833.3), dbSNP rs1346717702, ClinGen allele CA387764752.